The following is an entry in ClinVar:

NM_001364905.1(LRBA):c.8506C>G (p.Leu2836Val)

Gene: LRBA (LPS responsive beige-like anchor protein; minus strand). Cytogenetic location: 4q31.3.
Variant type: single nucleotide variant.
Coding change: c.8506C>G on transcript NM_001364905.1 (MANE Select); coding-DNA position 8506, C replaced by G.
Protein change: p.Leu2836Val; replaces leucine 2836 with valine.
Molecular consequence: missense variant.
Genome position (GRCh38, 1-based): chr4:150,265,775, G>C on the plus strand (C>G on the coding strand, the complement: LRBA is on the minus strand). VCF-style: chr4-150265775-G-C. GRCh37 (hg19) VCF-style: chr4-151186927-G-C.
Other names: c.8503C>G, p.Leu2835Val (NM_001199282.3); c.8521C>G, p.Leu2841Val (NM_001367550.1); c.8539C>G, p.Leu2847Val (NM_006726.5); short protein forms L2835V, L2841V, L2847V, L2836V.
Identifiers: ClinVar variation 1463777 (VCV001463777.8), dbSNP rs2126679937, ClinGen allele CA358436770.

ClinVar aggregate classification (germline): Uncertain significance (1 of 4 stars; one submission).

Conditions:
Combined immunodeficiency due to LRBA deficiency. Also called: Common variable immunodeficiency 8, with autoimmunity. Identifiers: Orphanet 445018, MedGen C3553512, MONDO:0013863, OMIM 614700.

Submission:

Labcorp Genetics (formerly Invitae), Labcorp
Classification: Uncertain significance for Combined immunodeficiency due to LRBA deficiency. Last evaluated: 2024-10-16. Review status: criteria provided, single submitter. Criteria: Invitae Variant Classification Sherloc (09022015). Collection method: clinical testing. Allele origin: germline.
Comment: This sequence change replaces leucine, which is neutral and non-polar, with valine, which is neutral and non-polar, at codon 2847 of the LRBA protein (p.Leu2847Val). This variant is not present in population databases (gnomAD no frequency). This variant has not been reported in the literature in individuals affected with LRBA-related conditions. ClinVar contains an entry for this variant (Variation ID: 1463777). Invitae Evidence Modeling of protein sequence and biophysical properties (such as structural, functional, and spatial information, amino acid conservation, physicochemical variation, residue mobility, and thermodynamic stability) indicates that this missense variant is not expected to disrupt LRBA protein function with a negative predictive value of 80%. In summary, the available evidence is currently insufficient to determine the role of this variant in disease. Therefore, it has been classified as a Variant of Uncertain Significance.